The following is an entry in ClinVar:

ClinVar aggregate classification (germline): Uncertain significance (1 of 4 stars; one submission).

gnomAD v4.1: 1 of 1,614,208 alleles (0.000062%); highest among the groups gnomAD compares: East Asian, 0.0022%; no homozygotes.

Submission:

Labcorp Genetics (formerly Invitae), Labcorp
Classification: Uncertain significance. Last evaluated: 2024-10-23. Review status: criteria provided, single submitter. Criteria: Invitae Variant Classification Sherloc (09022015). Collection method: clinical testing. Allele origin: germline.
Comment: This sequence change falls in intron 11 of the RHBDF2 gene. It does not directly change the encoded amino acid sequence of the RHBDF2 protein. It affects a nucleotide within the consensus splice site. This variant is present in population databases (no rsID available, gnomAD 0.006%). This variant has not been reported in the literature in individuals affected with RHBDF2-related conditions. Variants that disrupt the consensus splice site are a relatively common cause of aberrant splicing (PMID: 17576681, 9536098). Algorithms developed to predict the effect of sequence changes on RNA splicing suggest that this variant is not likely to affect RNA splicing. In summary, the available evidence is currently insufficient to determine the role of this variant in disease. Therefore, it has been classified as a Variant of Uncertain Significance.

Literature cited by the submitters: PubMed 17576681; PubMed 9536098.

NM_001005498.4(RHBDF2):c.1302+3G>A

Gene: RHBDF2 (rhomboid 5 homolog 2; minus strand). Cytogenetic location: 17q25.1.
Variant type: single nucleotide variant.
Coding change: c.1302+3G>A on transcript NM_001005498.4 (MANE Select); 3 bases into the intron after coding-DNA position 1302, G replaced by A.
Molecular consequence: intron variant. On other transcripts: non-coding transcript variant (3).
Genome position (GRCh38, 1-based): chr17:76,474,727, C>T on the plus strand (G>A on the coding strand, the complement: RHBDF2 is on the minus strand). VCF-style: chr17-76474727-C-T. GRCh37 (hg19) VCF-style: chr17-74470809-C-T.
Other names: c.1389+3G>A (NM_024599.5); c.1302+3G>A (NM_001376230.1, NM_001376228.1, NM_001376229.1).
Identifiers: ClinVar variation 3723586 (VCV003723586.2).